The following is an entry in ClinVar:

NM_001009944.3(PKD1):c.9848G>A (p.Cys3283Tyr)

Gene: PKD1 (polycystin 1, transient receptor potential channel interacting; minus strand). Cytogenetic location: 16p13.3.
Variant type: single nucleotide variant.
Coding change: c.9848G>A on transcript NM_001009944.3 (MANE Select); coding-DNA position 9848, G replaced by A.
Protein change: p.Cys3283Tyr; replaces cysteine 3283 with tyrosine.
Molecular consequence: missense variant.
Genome position (GRCh38, 1-based): chr16:2,099,936, C>T on the plus strand (G>A on the coding strand, the complement: PKD1 is on the minus strand). VCF-style: chr16-2099936-C-T. GRCh37 (hg19) VCF-style: chr16-2149937-C-T.
Other names: c.9848G>A, p.Cys3283Tyr (NM_000296.4); short protein forms C3283Y.
Identifiers: ClinVar variation 4280004 (VCV004280004.1).

ClinVar aggregate classification (germline): Uncertain significance (1 of 4 stars; one submission).

Conditions:
Polycystic kidney disease, adult type (PKD1). Also called: POLYCYSTIC KIDNEY DISEASE 1 WITH OR WITHOUT POLYCYSTIC LIVER DISEASE; POLYCYSTIC KIDNEY DISEASE, ADULT, TYPE I; Polycystic Kidney, Autosomal Dominant; Polycystic Kidney Disease 1, Autosomal Dominant; Polycystic kidney disease 1; Polycystic kidney disease 1, severe. Identifiers: MedGen C3149841, MONDO:0008263, OMIM 173900.

Submission:

Johns Hopkins Genomics, Johns Hopkins University
Classification: Uncertain significance for Polycystic kidney disease, adult type. Last evaluated: 2024-04-25. Review status: criteria provided, single submitter. Criteria: ACMG Guidelines, 2015. Collection method: clinical testing. Allele origin: germline.
Comment: This PKD1 missense variant is absent from a large population dataset and has not been reported in ClinVar nor the literature, to our knowledge. Two bioinformatic tools queried predict that this substitution would be damaging, and the cysteine residue at this position is evolutionarily conserved across all of the species assessed. We consider the clinical significance of c.9848G>A in PKD1 to be uncertain at this time.

Literature cited by the submitters: PubMed 30369598.